The following is an entry in ClinVar:

ClinVar aggregate classification (germline): Pathogenic/Likely pathogenic. Review status: criteria provided, multiple submitters, no conflicts (2 of 4 stars). 3 submissions from 3 submitters: Pathogenic (1); Likely pathogenic (2). Last evaluated 2025-06-23.

Conditions:
Fanconi-Bickel syndrome (FBS). Also called: Glycogen storage disease due to GLUT2 deficiency; FANCONI SYNDROME WITH INTESTINAL MALABSORPTION AND GALACTOSE INTOLERANCE; HEPATIC GLYCOGENOSIS WITH AMINO ACIDURIA AND GLUCOSURIA; HEPATIC GLYCOGENOSIS WITH FANCONI NEPHROPATHY; HEPATORENAL GLYCOGENOSIS WITH RENAL FANCONI SYNDROME; PSEUDO-PHLORIZIN DIABETES. Identifiers: Orphanet 2088, MedGen C3495427, MONDO:0009216, OMIM 227810.
Type 2 diabetes mellitus. Also called: Type II diabetes mellitus. Identifiers: MedGen C0011860, MeSH D003924, MONDO:0005148, OMIM 125853, HP:0005978.

Submissions (3):

Labcorp Genetics (formerly Invitae), Labcorp
Classification: Pathogenic for Fanconi-Bickel syndrome. Last evaluated: 2025-06-23. Review status: criteria provided, single submitter. Criteria: Invitae Variant Classification Sherloc (09022015). Collection method: clinical testing. Allele origin: germline.
Comment: This variant, c.457_462del, results in the deletion of 2 amino acid(s) of the SLC2A2 protein (p.Leu153_Ile154del), but otherwise preserves the integrity of the reading frame. This variant is present in population databases (rs763620441, gnomAD 0.03%). This variant has been observed in individuals with clinical features of Fanconi-Bickel syndrome (PMID: 22214819, 34828390). It has also been observed to segregate with disease in related individuals. This variant is also known as p.153_4delLI. ClinVar contains an entry for this variant (Variation ID: 1400896). Algorithms developed to predict the effect of variants on gene product structure and function are not available or were not evaluated for this variant. Experimental studies have shown that this variant affects SLC2A2 function (PMID: 30950137). For these reasons, this variant has been classified as Pathogenic.

Women's Health and Genetics/Laboratory Corporation of America, LabCorp
Classification: Likely pathogenic for Fanconi-Bickel syndrome. Last evaluated: 2025-05-22. Review status: criteria provided, single submitter. Criteria: LabCorp Variant Classification Summary - May 2015. Collection method: clinical testing. Allele origin: germline.
Comment: Variant summary: SLC2A2 c.457_462delCTTATA (p.Leu153_Ile154del) results in an in-frame deletion that is predicted to remove two amino acids from the encoded protein. The variant allele was found at a frequency of 7.6e-05 in 249708 control chromosomes. This frequency is not significantly higher than estimated for a pathogenic variant in SLC2A2 causing Fanconi-Bickel syndrome, allowing no conclusion about variant significance. c.457_462delCTTATA has been observed in individual(s) affected with Fanconi-Bickel syndrome (Grunert_2011, Grunert_2021). These data indicate that the variant may be associated with disease. At least one publication reports experimental evidence evaluating an impact on protein function (Enogieru_2019). The most pronounced variant effect results in 5.8% of normal transport activity. The following publications have been ascertained in the context of this evaluation (PMID: 30950137, 34828390, 22214819). ClinVar contains an entry for this variant (Variation ID: 1400896). Based on the evidence outlined above, the variant was classified as likely pathogenic.

Fulgent Genetics
Classification: Likely pathogenic for Type 2 diabetes mellitus; Fanconi-Bickel syndrome. Last evaluated: 2024-06-22. Review status: criteria provided, single submitter. Criteria: ACMG Guidelines, 2015. Collection method: clinical testing. Allele origin: germline.

Literature cited by the submitters: PubMed 22214819 (cited by Labcorp Genetics (formerly Invitae), Labcorp and Women's Health and Genetics/Laboratory Corporation of America, LabCorp); PubMed 34828390 (cited by Labcorp Genetics (formerly Invitae), Labcorp and Women's Health and Genetics/Laboratory Corporation of America, LabCorp); PubMed 30950137 (cited by Labcorp Genetics (formerly Invitae), Labcorp and Women's Health and Genetics/Laboratory Corporation of America, LabCorp).

NM_000340.2(SLC2A2):c.457_462del (p.Leu153_Ile154del)

Gene: SLC2A2 (solute carrier family 2 member 2; minus strand). Cytogenetic location: 3q26.2.
Variant type: Deletion.
Coding change: c.457_462del on transcript NM_000340.2 (MANE Select); coding-DNA positions 457 to 462, 6 bases deleted (CTTATA; older notation c.457_462delCTTATA).
Protein change: p.Leu153_Ile154del.
Molecular consequence: inframe deletion. On other transcripts: intron variant (1).
Genome position (GRCh38, 1-based): chr3:171,009,992-171,009,997, TATAAG deleted on the plus strand (CTTATA on the coding strand, the reverse complement: SLC2A2 is on the minus strand); deleting any 6 consecutive bases within chr3:171,009,992-171,010,001 gives the same sequence; the c. name uses the placement nearest the transcript's 3' end. VCF-style (leftmost placement, unchanged base first): chr3-171009991-TTATAAG-T. GRCh37 (hg19) VCF-style: chr3-170727780-TTATAAG-T.
Other names: c.457_462delCTTATA (NM_000340.2); c.100_105del, p.Leu34_Ile35del (NM_001278658.2); c.-23-2734_-23-2729del (NM_001278659.2).
Identifiers: ClinVar variation 1400896 (VCV001400896.9), dbSNP rs763620441, ClinGen allele CA2702693.